The following is an entry in ClinVar:

ClinVar aggregate classification (germline): Uncertain significance. Review status: criteria provided, multiple submitters, no conflicts (2 of 4 stars). 2 submissions from 2 submitters: Uncertain significance (2). Last evaluated 2024-10-29.

Conditions:
Renal carnitine transport defect (CDSP). Also called: Systemic primary carnitine deficiency; Primary carnitine deficiency; Systemic primary carnitine deficiency disease; CARNITINE DEFICIENCY, SYSTEMIC, DUE TO DEFECT IN RENAL REABSORPTION OF CARNITINE; CARNITINE TRANSPORTER, PLASMA-MEMBRANE, DEFICIENCY OF; CARNITINE UPTAKE DEFECT. Identifiers: Orphanet 158, MedGen C0342788, MONDO:0008919, OMIM 212140.

Allele frequency attached by ClinVar (database versions not stated): gnomAD exomes below 0.00001 and 0.00001; ExAC 0.00001; gnomAD 0.00001; TOPMed 0.00003.
gnomAD v4.1: 12 of 1,614,058 alleles (0.00074%); highest among the groups gnomAD compares: Admixed American, 0.0033%; no homozygotes.

Submissions (2):

Labcorp Genetics (formerly Invitae), Labcorp
Classification: Uncertain significance for Renal carnitine transport defect. Last evaluated: 2024-10-29. Review status: criteria provided, single submitter. Criteria: Invitae Variant Classification Sherloc (09022015). Collection method: clinical testing. Allele origin: germline.
Comment: This sequence change replaces glutamic acid, which is acidic and polar, with lysine, which is basic and polar, at codon 317 of the SLC22A5 protein (p.Glu317Lys). This variant is present in population databases (rs774792831, gnomAD 0.002%). This missense change has been observed in individual(s) with dilated cardiomyopathy (PMID: 18337137). ClinVar contains an entry for this variant (Variation ID: 1698611). Invitae Evidence Modeling of protein sequence and biophysical properties (such as structural, functional, and spatial information, amino acid conservation, physicochemical variation, residue mobility, and thermodynamic stability) has been performed for this missense variant. However, the output from this modeling did not meet the statistical confidence thresholds required to predict the impact of this variant on SLC22A5 protein function. Experimental studies have shown that this missense change does not substantially affect SLC22A5 function (PMID: 18337137, 28841266). In summary, the available evidence is currently insufficient to determine the role of this variant in disease. Therefore, it has been classified as a Variant of Uncertain Significance.

Women's Health and Genetics/Laboratory Corporation of America, LabCorp
Classification: Uncertain significance. Last evaluated: 2022-06-22. Review status: criteria provided, single submitter. Criteria: LabCorp Variant Classification Summary - May 2015. Collection method: clinical testing. Allele origin: germline.
Comment: Variant summary: SLC22A5 c.949G>A (p.Glu317Lys) results in a conservative amino acid change located in the Major facilitator superfamily domain (IPR020846) of the encoded protein sequence. Four of five in-silico tools predict a benign effect of the variant on protein function. Several computational tools predict a significant impact on normal splicing: Two predict the variant creates a cryptic 5' donor site and one predicts the variant strengthens a cryptic 5' donor site. However, these predictions have yet to be confirmed by functional studies. The variant allele was found at a frequency of 1.2e-05 in 251486 control chromosomes (gnomAD). The available data on variant occurrences in the general population are insufficient to allow any conclusion about variant significance. c.949G>A has been reported in the literature in at least one individual affected with Cardiomyopathy (Amat di San Filippo_2008), which does not provide unequivocal conclusions about association of the variant with Systemic Primary Carnitine Deficiency. Amat di San Filippo_2008 also demonstrated that when expressed in CHO cells, the variant significantly increased carnitine transport rates above what was seen with wild-type. No clinical diagnostic laboratories have submitted clinical-significance assessments for this variant to ClinVar after 2014. Based on the evidence outlined above, the variant was classified as uncertain significance.

Literature cited by the submitters: PubMed 18337137 (cited by Labcorp Genetics (formerly Invitae), Labcorp and Women's Health and Genetics/Laboratory Corporation of America, LabCorp); PubMed 28841266 (cited by Labcorp Genetics (formerly Invitae), Labcorp and Women's Health and Genetics/Laboratory Corporation of America, LabCorp).

NM_003060.4(SLC22A5):c.949G>A (p.Glu317Lys)

Gene: SLC22A5 (solute carrier family 22 member 5; plus strand). Cytogenetic location: 5q31.1.
Variant type: single nucleotide variant.
Coding change: c.949G>A on transcript NM_003060.4 (MANE Select); coding-DNA position 949, G replaced by A.
Protein change: p.Glu317Lys; replaces glutamic acid 317 with lysine.
Molecular consequence: missense variant.
Genome position (GRCh38, 1-based): chr5:132,387,149, G>A. VCF-style: chr5-132387149-G-A. GRCh37 (hg19) VCF-style: chr5-131722841-G-A.
Other names: c.1021G>A, p.Glu341Lys (NM_001308122.2); short protein forms E317K, E341K.
Identifiers: ClinVar variation 1698611 (VCV001698611.4), dbSNP rs774792831, ClinGen allele CA3404014.